The following is an entry in ClinVar:

ClinVar aggregate classification (germline): Uncertain significance (1 of 4 stars; one submission).

Allele frequency attached by ClinVar (database versions not stated): gnomAD exomes below 0.00001; TOPMed below 0.00001; gnomAD 0.00001.
gnomAD v4.1: 6 of 1,612,638 alleles (0.00037%); highest among the groups gnomAD compares: Middle Eastern, 0.016%; no homozygotes.

Submission:

Labcorp Genetics (formerly Invitae), Labcorp
Classification: Uncertain significance. Last evaluated: 2020-04-18. Review status: criteria provided, single submitter. Criteria: Invitae Variant Classification Sherloc (09022015). Collection method: clinical testing. Allele origin: germline.
Comment: In summary, the available evidence is currently insufficient to determine the role of this variant in disease. Therefore, it has been classified as a Variant of Uncertain Significance. Algorithms developed to predict the effect of missense changes on protein structure and function output the following: SIFT: "Tolerated"; PolyPhen-2: "Benign"; Align-GVGD: "Class C0". The alanine amino acid residue is found in multiple mammalian species, suggesting that this missense change does not adversely affect protein function. These predictions have not been confirmed by published functional studies and their clinical significance is uncertain. This variant has not been reported in the literature in individuals with RBP3-related conditions. This variant is not present in population databases (ExAC no frequency). This sequence change replaces valine with alanine at codon 1140 of the RBP3 protein (p.Val1140Ala). The valine residue is weakly conserved and there is a small physicochemical difference between valine and alanine.

NM_002900.3(RBP3):c.3419T>C (p.Val1140Ala)

Gene: RBP3 (retinol binding protein 3; plus strand). Cytogenetic location: 10q11.22.
Variant type: single nucleotide variant.
Coding change: c.3419T>C on transcript NM_002900.3 (MANE Select); coding-DNA position 3419, T replaced by C.
Protein change: p.Val1140Ala; replaces valine 1140 with alanine.
Molecular consequence: missense variant.
Genome position (GRCh38, 1-based): chr10:47,357,132, T>C. VCF-style: chr10-47357132-T-C. GRCh37 (hg19) VCF-style: chr10-48382230-A-G.
Other names: short protein forms V1140A.
Identifiers: ClinVar variation 1038779 (VCV001038779.8), dbSNP rs1481868848, ClinGen allele CA376677175.